The following is an entry in ClinVar:

NM_005506.4(SCARB2):c.1016dup (p.His341fs)

Gene: SCARB2 (scavenger receptor class B member 2; minus strand). Cytogenetic location: 4q21.1.
Variant type: Duplication.
Coding change: c.1016dup on transcript NM_005506.4 (MANE Select); coding-DNA position 1016, one base duplicated (T; older notation c.1016dupT).
Protein change: p.His341fs; shifts the reading frame from histidine 341.
Molecular consequence: frameshift variant.
Genome position (GRCh38, 1-based): chr4:76,169,964, A duplicated on the plus strand (T on the coding strand, the reverse complement: SCARB2 is on the minus strand); the first of 3 consecutive A bases (chr4:76,169,964-76,169,966); duplicating any one gives the same sequence. VCF-style (leftmost placement, unchanged base first): chr4-76169963-G-GA. GRCh37 (hg19) VCF-style: chr4-77091116-G-GA.
Other names: c.1016dupT (NM_005506.3); c.587dup, p.His198fs (NM_001204255.2); short protein forms H198fs, H341fs.
Identifiers: ClinVar variation 268142 (VCV000268142.4), dbSNP rs886041077, ClinGen allele CA10602675.
Genomic context (GRCh38, chr4:76,169,963, plus strand): 5'-ATTTGGGTGCATGCCTTCTATGGCAGAAACAAACCTCTCATCTGCTTGGTAAAAGTGTGG[G>GA]AAAGACATAATGATGGGTGCACCTGCATTTGAAGGAAAACAGAAATGAATGATGCTGTTT-3'

ClinVar aggregate classification (germline): Pathogenic. Review status: criteria provided, single submitter (1 of 4 stars). 2 submissions from 2 submitters: Pathogenic (1). 1 of the submissions does not count toward it. Last evaluated 2020-01-21.

Conditions:
Action myoclonus-renal failure syndrome. Also called: SCARB2-Related Action Myoclonus-Renal Failure Syndrome; MYOCLONUS-NEPHROPATHY SYNDROME; EPILEPSY, PROGRESSIVE MYOCLONIC, 4, WITH RENAL FAILURE; EPILEPSY, PROGRESSIVE MYOCLONIC, 4, WITHOUT RENAL FAILURE. Identifiers: Orphanet 163696, MedGen C0751779, MeSH D020191, MONDO:0009699, OMIM 254900.

Submissions (2):

GeneDx
Classification: Pathogenic. Last evaluated: 2020-01-21. Review status: criteria provided, single submitter. Criteria: GeneDx Variant Classification Process June 2021. Collection method: clinical testing. Allele origin: germline. Affected: yes.
Comment: Frameshift variant predicted to result in protein truncation or nonsense mediated decay in a gene for which loss-of-function is a known mechanism of disease; Not observed at a significant frequency in large population cohorts (Lek et al., 2016); This variant is associated with the following publications: (PMID: 29605618, 23225201)

GeneReviews
No classification provided. Condition: Action myoclonus-renal failure syndrome. Review status: no classification provided. Collection method: literature only. Allele origin: germline. Affected: yes. Not counted in ClinVar's aggregate classification.

Literature cited by the submitters: PubMed 23225201 (cited by GeneReviews); NCBI Bookshelf NBK333437 (cited by GeneReviews).